The following is an entry in ClinVar:

ClinVar aggregate classification (germline): Uncertain significance (1 of 4 stars; one submission).

gnomAD v4.1: 4 of 1,614,204 alleles (0.00025%); highest among the groups gnomAD compares: Non-Finnish European, 0.00034%; no homozygotes.

Submission:

Ambry Genetics
Classification: Uncertain significance. Last evaluated: 2024-09-30. Review status: criteria provided, single submitter. Criteria: Ambry Variant Classification Scheme 2023. Collection method: clinical testing. Allele origin: germline.
Comment: The p.V386I variant (also known as c.1156G>A), located in coding exon 6 of the GALNT12 gene, results from a G to A substitution at nucleotide position 1156. The valine at codon 386 is replaced by isoleucine, an amino acid with highly similar properties. This amino acid position is conserved. In addition, the in silico prediction for this alteration is inconclusive. Based on the available evidence, the clinical significance of this variant remains unclear.

NM_024642.5(GALNT12):c.1156G>A (p.Val386Ile)

Gene: GALNT12 (polypeptide N-acetylgalactosaminyltransferase 12; plus strand). Cytogenetic location: 9q22.33.
Variant type: single nucleotide variant.
Coding change: c.1156G>A on transcript NM_024642.5 (MANE Select); coding-DNA position 1156, G replaced by A.
Protein change: p.Val386Ile; replaces valine 386 with isoleucine.
Molecular consequence: missense variant.
Genome position (GRCh38, 1-based): chr9:98,837,092, G>A. VCF-style: chr9-98837092-G-A. GRCh37 (hg19) VCF-style: chr9-101599374-G-A.
Other names: short protein forms V386I.
Identifiers: ClinVar variation 3518457 (VCV003518457.1).
Genomic context (GRCh38, chr9:98,837,092, plus strand): 5'-CCCAAGCAAGCTCCCTACTCCCGCAACAAGGCTCTGGCCAACAGTGTTCGTGCAGCTGAA[G>A]TATGGATGGATGAATTTAAAGAGCTCTACTACCATCGCAACCCCCGTGCCCGCTTGGTGA-3'
Protein context (NP_078918.3, residues 376-396): ALANSVRAAE[Val386Ile]WMDEFKELYY